The following is an entry in ClinVar:

NM_006019.4(TCIRG1):c.2113G>A (p.Ala705Thr)

Gene: TCIRG1 (T cell immune regulator 1, ATPase H+ transporting V0 subunit a3; plus strand). Cytogenetic location: 11q13.2.
Variant type: single nucleotide variant.
Coding change: c.2113G>A on transcript NM_006019.4 (MANE Select); coding-DNA position 2113, G replaced by A.
Protein change: p.Ala705Thr; replaces alanine 705 with threonine.
Molecular consequence: missense variant.
Genome position (GRCh38, 1-based): chr11:68,050,061, G>A. VCF-style: chr11-68050061-G-A. GRCh37 (hg19) VCF-style: chr11-67817528-G-A.
Other names: c.1219G>A, p.Ala407Thr (NM_001351059.2); c.2113G>A, p.Ala705Thr (NM_001440552.1, NM_001440553.1, NM_001440554.1 and 2 more transcripts); c.2071G>A, p.Ala691Thr (NM_001440555.1, NM_001440556.1, NM_001440563.1); c.1900G>A, p.Ala634Thr (NM_001440559.1, NM_001440560.1, NM_001440561.1 and 2 more transcripts); c.1858G>A, p.Ala620Thr (NM_001440564.1); c.1813G>A, p.Ala605Thr (NM_001440565.1); c.1651G>A, p.Ala551Thr (NM_001440567.1); c.1645G>A, p.Ala549Thr (NM_001440568.1); and 2 more; short protein forms A407T, A551T, A634T, A691T, A489T, A385T, A549T, A605T.
Identifiers: ClinVar variation 4743849 (VCV004743849.1).

ClinVar aggregate classification (germline): Uncertain significance (1 of 4 stars; one submission).

Submission:

Labcorp Genetics (formerly Invitae), Labcorp
Classification: Uncertain significance. Last evaluated: 2025-10-26. Review status: criteria provided, single submitter. Criteria: Invitae Variant Classification Sherloc (09022015). Collection method: clinical testing. Allele origin: germline.
Comment: This sequence change replaces alanine, which is neutral and non-polar, with threonine, which is neutral and polar, at codon 705 of the TCIRG1 protein (p.Ala705Thr). This variant is not present in population databases (gnomAD no frequency). This variant has not been reported in the literature in individuals affected with TCIRG1-related conditions. Invitae Evidence Modeling of protein sequence and biophysical properties (such as structural, functional, and spatial information, amino acid conservation, physicochemical variation, residue mobility, and thermodynamic stability) indicates that this missense variant is not expected to disrupt TCIRG1 protein function with a negative predictive value of 80%. In summary, the available evidence is currently insufficient to determine the role of this variant in disease. Therefore, it has been classified as a Variant of Uncertain Significance.